The following is an entry in ClinVar:

ClinVar aggregate classification (germline): Uncertain significance (1 of 4 stars; one submission).

Conditions:
Joubert syndrome. Also called: CEREBELLOPARENCHYMAL DISORDER IV; JOUBERT-BOLTSHAUSER SYNDROME; Familial aplasia of the vermis. Identifiers: Orphanet 475, MedGen C5979921, MONDO:0018772.
Meckel-Gruber syndrome. Also called: DYSENCEPHALIA SPLANCHNOCYSTICA; GRUBER SYNDROME; Dysencephalia splachnocystica. Identifiers: Orphanet 564, MedGen C0265215, MONDO:0018921.

Allele frequency attached by ClinVar (database versions not stated): ExAC 0.00001; gnomAD 0.00001; TOPMed 0.00001.
gnomAD v4.1: 1 of 1,614,012 alleles (0.000062%); highest among the groups gnomAD compares: African/African-American, 0.0013%; no homozygotes.

Submission:

Labcorp Genetics (formerly Invitae), Labcorp
Classification: Uncertain significance for Joubert syndrome; Meckel-Gruber syndrome. Last evaluated: 2023-10-03. Review status: criteria provided, single submitter. Criteria: Invitae Variant Classification Sherloc (09022015). Collection method: clinical testing. Allele origin: germline.
Comment: This sequence change replaces threonine, which is neutral and polar, with isoleucine, which is neutral and non-polar, at codon 631 of the TCTN2 protein (p.Thr631Ile). This variant is not present in population databases (gnomAD no frequency). This variant has not been reported in the literature in individuals affected with TCTN2-related conditions. ClinVar contains an entry for this variant (Variation ID: 1976813). Advanced modeling of protein sequence and biophysical properties (such as structural, functional, and spatial information, amino acid conservation, physicochemical variation, residue mobility, and thermodynamic stability) performed at Invitae indicates that this missense variant is expected to disrupt TCTN2 protein function. In summary, the available evidence is currently insufficient to determine the role of this variant in disease. Therefore, it has been classified as a Variant of Uncertain Significance.

NM_024809.5(TCTN2):c.1892C>T (p.Thr631Ile)

Gene: TCTN2 (tectonic family member 2; plus strand). Cytogenetic location: 12q24.31.
Variant type: single nucleotide variant.
Coding change: c.1892C>T on transcript NM_024809.5 (MANE Select); coding-DNA position 1892, C replaced by T.
Protein change: p.Thr631Ile; replaces threonine 631 with isoleucine.
Molecular consequence: missense variant.
Genome position (GRCh38, 1-based): chr12:123,706,848, C>T. VCF-style: chr12-123706848-C-T. GRCh37 (hg19) VCF-style: chr12-124191395-C-T.
Other names: c.1889C>T, p.Thr630Ile (NM_001143850.3); c.1757C>T, p.Thr586Ile (NM_001410989.1); short protein forms T586I, T630I, T631I.
Identifiers: ClinVar variation 1976813 (VCV001976813.5), dbSNP rs752018832, ClinGen allele CA6861366.